The following is an entry in ClinVar:

ClinVar aggregate classification (germline): Uncertain significance (1 of 4 stars; one submission).

Conditions:
Cystic fibrosis (CF). Also called: MUCOVISCIDOSIS. Identifiers: Orphanet 586, MedGen C0010674, MONDO:0009061, OMIM 219700. Disease mechanism: loss of function.

Submission:

Ambry Genetics
Classification: Uncertain significance for Cystic fibrosis. Last evaluated: 2025-04-29. Review status: criteria provided, single submitter. Criteria: Ambry Variant Classification Scheme 2023. Collection method: clinical testing. Allele origin: germline.
Comment: The p.I261T variant (also known as c.782T>C), located in coding exon 7 of the CFTR gene, results from a T to C substitution at nucleotide position 782. The isoleucine at codon 261 is replaced by threonine, an amino acid with similar properties. This amino acid position is conserved. In addition, the in silico prediction for this alteration is inconclusive. Since supporting evidence is limited at this time, the clinical significance of this alteration remains unclear.

NM_000492.4(CFTR):c.782T>C (p.Ile261Thr)

Gene: CFTR (CF transmembrane conductance regulator; plus strand). Cytogenetic location: 7q31.2.
Variant type: single nucleotide variant.
Coding change: c.782T>C on transcript NM_000492.4 (MANE Select); coding-DNA position 782, T replaced by C.
Protein change: p.Ile261Thr; replaces isoleucine 261 with threonine.
Molecular consequence: missense variant.
Genome position (GRCh38, 1-based): chr7:117,536,586, T>C. VCF-style: chr7-117536586-T-C. GRCh37 (hg19) VCF-style: chr7-117176640-T-C.
Other names: short protein forms I261T.
Identifiers: ClinVar variation 1760804 (VCV001760804.3), dbSNP rs2485020254, ClinGen allele CA368977394.